The following is an entry in ClinVar:

ClinVar aggregate classification (germline): Uncertain significance (1 of 4 stars; one submission).

Conditions:
Combined immunodeficiency due to STIM1 deficiency. Also called: STIM1 DEFICIENCY; IMMUNODEFICIENCY 10. Identifiers: Orphanet 169090, Orphanet 317430, MedGen C2748557, MONDO:0013008, OMIM 612783.
Stormorken syndrome (STRMK). Also called: THROMBOCYTOPATHY, ASPLENIA, AND MIOSIS. Identifiers: Orphanet 3204, MedGen C1861451, MONDO:0008497, OMIM 185070.
Myopathy with tubular aggregates (TAM). Also called: Tubular Aggregate Myopathy. Identifiers: Orphanet 2593, MedGen C0410207, MONDO:0008051.

Submission:

Labcorp Genetics (formerly Invitae), Labcorp
Classification: Uncertain significance for Myopathy with tubular aggregates; Combined immunodeficiency due to STIM1 deficiency; Stormorken syndrome. Last evaluated: 2023-04-14. Review status: criteria provided, single submitter. Criteria: Invitae Variant Classification Sherloc (09022015). Collection method: clinical testing. Allele origin: germline.
Comment: This variant has not been reported in the literature in individuals affected with STIM1-related conditions. In summary, the available evidence is currently insufficient to determine the role of this variant in disease. Therefore, it has been classified as a Variant of Uncertain Significance. An algorithm developed to predict the effect of missense changes on protein structure and function (PolyPhen-2) suggests that this variant is likely to be tolerated. ClinVar contains an entry for this variant (Variation ID: 1930623). This variant is not present in population databases (gnomAD no frequency). This sequence change replaces tyrosine, which is neutral and polar, with histidine, which is basic and polar, at codon 130 of the STIM1 protein (p.Tyr130His).

NM_001382567.1(STIM1):c.388T>C (p.Tyr130His)

Gene: STIM1 (stromal interaction molecule 1; plus strand). Cytogenetic location: 11p15.4.
Variant type: single nucleotide variant.
Coding change: c.388T>C on transcript NM_001382567.1 (MANE Select); coding-DNA position 388, T replaced by C.
Protein change: p.Tyr130His; replaces tyrosine 130 with histidine.
Molecular consequence: missense variant. On other transcripts: 5 prime UTR variant (2), non-coding transcript variant (3), intron variant (2).
Genome position (GRCh38, 1-based): chr11:4,055,528, T>C. VCF-style: chr11-4055528-T-C. GRCh37 (hg19) VCF-style: chr11-4076758-T-C.
Other names: c.388T>C, p.Tyr130His (NM_001277961.3, NM_001277962.2, NM_001382568.1 and 2 more transcripts); c.166T>C, p.Tyr56His (NM_001382566.1, NM_001382573.1, NM_001382574.1 and 5 more transcripts); c.253T>C, p.Tyr85His (NM_001382569.1); c.-102T>C (NM_001382580.1, NM_001382581.1); c.386-14498T>C (NM_001382570.1); c.18-3753T>C (NM_001382571.1); short protein forms Y130H, Y56H, Y85H.
Identifiers: ClinVar variation 1930623 (VCV001930623.5), dbSNP rs1565162073, ClinGen allele CA379485436.